The following is an entry in ClinVar:

NM_177438.3(DICER1):c.5514G>A (p.Met1838Ile)

Gene: DICER1 (dicer 1, ribonuclease III; minus strand). Cytogenetic location: 14q32.13.
Variant type: single nucleotide variant.
Coding change: c.5514G>A on transcript NM_177438.3 (MANE Select); coding-DNA position 5514, G replaced by A.
Protein change: p.Met1838Ile; replaces methionine 1838 with isoleucine.
Molecular consequence: missense variant. On other transcripts: intron variant (1).
Genome position (GRCh38, 1-based): chr14:95,091,216, C>T on the plus strand (G>A on the coding strand, the complement: DICER1 is on the minus strand). VCF-style: chr14-95091216-C-T. GRCh37 (hg19) VCF-style: chr14-95557553-C-T.
Other names: NM_177438.3(DICER1):c.5514G>A; p.Met1838Ile; c.5514G>A, p.Met1838Ile (NM_001271282.3, NM_001291628.2, NM_030621.4); c.5365-107G>A (NM_001195573.1); short protein forms M1838I.
Identifiers: ClinVar variation 825798 (VCV000825798.17), dbSNP rs1187244456, ClinGen allele CA390864484.

ClinVar aggregate classification (germline): Uncertain significance. Review status: reviewed by expert panel (3 of 4 stars). 3 submissions from 3 submitters: Uncertain significance (1). 2 of the submissions do not count toward it. Last evaluated 2025-06-24.

Conditions:
Hereditary cancer-predisposing syndrome. Also called: Neoplastic Syndromes, Hereditary; Hereditary Cancer Syndrome; Hereditary neoplastic syndrome; Tumor predisposition. Identifiers: Orphanet 140162, MedGen C0027672, MeSH D009386, MONDO:0015356.
DICER1-related tumor predisposition. Also called: DICER1-related pleuropulmonary blastoma cancer predisposition syndrome; DICER1 syndrome. Identifiers: Orphanet 284343, MedGen C3839822, MONDO:0100216.

Allele frequency attached by ClinVar (database versions not stated): gnomAD exomes below 0.00001 and 0.00001.

Submissions (3):

ClinGen DICER1 and miRNA-Processing Gene Variant Curation Expert Panel, ClinGen
Classification: Uncertain significance for DICER1-related tumor predisposition. Last evaluated: 2025-06-24. Review status: reviewed by expert panel. Criteria: ClinGen DICER1 ACMG Specifications DICER1 V1.3.0. Collection method: curation. Allele origin: germline. Inheritance: Autosomal dominant inheritance.
Comment: NM_177438.3(DICER1):c.5514G>A variant in DICER1 is a missense variant predicted to cause substitution of methionine by isoleucine at amino acid 1838 (p.Met1838Ile). This variant has an allele frequency of 0.00000186 (3/1614140 alleles) across gnomAD v4.1.0 with no more than one allele in any subpopulation, which is lower than the ClinGen DICER1 VCEP threshold (<0.000005) for PM2_Supporting, and therefore meets this criterion (PM2_Supporting). The computational predictor REVEL gives a score of 0.594, which is neither above nor below the thresholds predicting a damaging or benign impact on DICER1 function; splice predictors MaxEntScan and SpliceAI indicate no impact on splicing (PP3 and BP4 not met). This variant resides within the RNase IIIb domain (PM1_Supporting; PMID: 31342592). In summary, this variant meets the criteria to be classified as uncertain significance for DICER1-related tumor predisposition based on the ACMG/AMP criteria applied, as specified by the ClinGen DICER1 VCEP: PM2_Supporting, PM1_Supporting. (Bayesian Points: 2; VCEP specifications version 1.3.0; 06/24/2025)

Labcorp Genetics (formerly Invitae), Labcorp
Classification: Uncertain significance for DICER1-related tumor predisposition. Last evaluated: 2020-02-02. Review status: criteria provided, single submitter. Criteria: Invitae Variant Classification Sherloc (09022015). Collection method: clinical testing. Allele origin: germline. Not counted in ClinVar's aggregate classification.
Comment: Algorithms developed to predict the effect of missense changes on protein structure and function are either unavailable or do not agree on the potential impact of this missense change (SIFT: "Deleterious"; PolyPhen-2: "Probably Damaging"; Align-GVGD: "Class C0"). This variant has not been reported in the literature in individuals with DICER1-related conditions. This variant is not present in population databases (ExAC no frequency). This sequence change replaces methionine with isoleucine at codon 1838 of the DICER1 protein (p.Met1838Ile). The methionine residue is highly conserved and there is a small physicochemical difference between methionine and isoleucine. In summary, the available evidence is currently insufficient to determine the role of this variant in disease. Therefore, it has been classified as a Variant of Uncertain Significance.

Ambry Genetics
Classification: Uncertain significance for Hereditary cancer-predisposing syndrome. Last evaluated: 2019-03-20. Review status: criteria provided, single submitter. Criteria: Ambry Variant Classification Scheme 2023. Collection method: clinical testing. Allele origin: germline. Not counted in ClinVar's aggregate classification.
Comment: The p.M1838I variant (also known as c.5514G>A), located in coding exon 24 of the DICER1 gene, results from a G to A substitution at nucleotide position 5514. The methionine at codon 1838 is replaced by isoleucine, an amino acid with highly similar properties. This amino acid position is highly conserved in available vertebrate species. In addition, the in silico prediction for this alteration is inconclusive. Since supporting evidence is limited at this time, the clinical significance of this alteration remains unclear.